The following is an entry in ClinVar:

ClinVar aggregate classification (germline): Pathogenic. Review status: criteria provided, multiple submitters, no conflicts (2 of 4 stars). 10 submissions from 10 submitters: Pathogenic (8). 2 of the submissions do not count toward it. Last evaluated 2025-12-17.

Conditions:
Bardet-Biedl syndrome (BBS). Identifiers: Orphanet 110, MedGen C0752166, MONDO:0015229.
BBS1-related disorder. Also called: BBS1-related condition.
Bardet-Biedl syndrome 1 (BBS1). Identifiers: MedGen C2936862, MONDO:0008854, OMIM 209900. Disease mechanism: loss of function.

Allele frequency attached by ClinVar (database versions not stated): TOPMed below 0.00001; ExAC 0.00001; gnomAD 0.00001; gnomAD exomes 0.00001.

Submissions (10):

Natera, Inc.
Classification: Pathogenic for Bardet-Biedl syndrome type 1. Last evaluated: 2025-12-17. Review status: criteria provided, single submitter. Criteria: Natera Variant Classification Schema (03/2026). Collection method: clinical testing. Allele origin: germline.
Comment: The c.1514_1515delTG variant in BBS1 is a frameshift variant predicted to shift the reading frame beginning at codon 505 and leads to a stop codon 52 codons downstream. This variant is expected to result in nonsense mediated decay, truncation, or a dysfunctional protein product. This variant is rare in the general population with a frequency below the threshold expected for the associated phenotype(s). This variant has been observed in one or more individuals affected with the associated recessive disease, as either homozygous or compound heterozygous with a second variant (PMID: 27659767). Given the available evidence, this variant is classified as Pathogenic.

Labcorp Genetics (formerly Invitae), Labcorp
Classification: Pathogenic for Bardet-Biedl syndrome. Last evaluated: 2025-12-02. Review status: criteria provided, single submitter. Criteria: Invitae Variant Classification Sherloc (09022015). Collection method: clinical testing. Allele origin: germline.
Comment: This sequence change creates a premature translational stop signal (p.Leu505Profs*52) in the BBS1 gene. While this is not anticipated to result in nonsense mediated decay, it is expected to disrupt the last 89 amino acid(s) of the BBS1 protein. This variant is present in population databases (rs775769424, gnomAD 0.002%). This premature translational stop signal has been observed in individual(s) with Bardet-Biedl syndrome (PMID: 12524598). ClinVar contains an entry for this variant (Variation ID: 371133). This variant disrupts a region of the BBS1 protein in which other variant(s) (p.Leu548Trpfs*31) have been determined to be pathogenic (PMID: 12677556, 12837689). This suggests that this is a clinically significant region of the protein, and that variants that disrupt it are likely to be disease-causing. For these reasons, this variant has been classified as Pathogenic.

Fulgent Genetics
Classification: Pathogenic for Bardet-Biedl syndrome 1. Last evaluated: 2024-03-20. Review status: criteria provided, single submitter. Criteria: ACMG Guidelines, 2015. Collection method: clinical testing. Allele origin: germline.

Baylor Genetics
Classification: Pathogenic for Bardet-Biedl syndrome 1. Last evaluated: 2024-02-05. Review status: criteria provided, single submitter. Criteria: ACMG Guidelines, 2015. Collection method: clinical testing. Allele origin: unknown.

Blueprint Genetics
Classification: Pathogenic for BBS1-related disorders. Last evaluated: 2022-11-23. Review status: criteria provided, single submitter. Criteria: ACMG Guidelines, 2015. Collection method: clinical testing. Allele origin: germline. Affected: yes. Observed: 5 variant alleles.

Women's Health and Genetics/Laboratory Corporation of America, LabCorp
Classification: Pathogenic for Bardet-Biedl syndrome. Last evaluated: 2022-09-06. Review status: criteria provided, single submitter. Criteria: LabCorp Variant Classification Summary - May 2015. Collection method: clinical testing. Allele origin: germline.
Comment: Variant summary: BBS1 c.1514_1515delTG (p.Leu505ProfsX52) results in a premature termination codon, predicted to cause a truncation of the encoded protein or absence of the protein due to nonsense mediated decay, which are commonly known mechanisms for disease. Truncations downstream of this position have been classified as pathogenic by our laboratory. The variant was absent in 251494 control chromosomes. c.1514_1515delTG has been reported in the literature in individuals affected with Bardet-Biedl Syndrome (Examples: Carrigan_2016, Deveault_2011, Jiman_2020 and Mykytyn_2003 etc.). These data indicate that the variant is likely to be associated with disease. Five clinical diagnostic laboratories have submitted clinical-significance assessments for this variant to ClinVar after and classified the variant as pathogenic. Based on the evidence outlined above, the variant was classified as pathogenic.

Ocular Genomics Institute, Massachusetts Eye and Ear
Classification: Pathogenic for Bardet-Biedl syndrome 1. Last evaluated: 2021-04-08. Review status: criteria provided, single submitter. Criteria: ACMG Guidelines, 2015. Collection method: research. Allele origin: germline. Affected: yes.
Comment: Through a review of available evidence we were able to apply the following criteria: PM2, PVS1, PP1. Based on this evidence we have classified this variant as Pathogenic.

Centre for Genomic Medicine, Manchester, Central Manchester University Hospitals
Classification: Pathogenic for Bardet-Biedl syndrome 1. Last evaluated: 2019-02-01. Review status: criteria provided, single submitter. Criteria: ACMG Guidelines, 2015. Collection method: clinical testing. Allele origin: germline. Affected: yes. Observed: 1 variant allele, 1 compound heterozygote.

PreventionGenetics, part of Exact Sciences
Classification: Pathogenic for BBS1-related condition. Last evaluated: 2024-06-10. Review status: no assertion criteria provided. Collection method: clinical testing. Allele origin: germline. Not counted in ClinVar's aggregate classification.
Comment: The BBS1 c.1514_1515delTG variant is predicted to result in a frameshift and premature protein termination (p.Leu505Profs*52). This variant has been reported to be causative for Bardet-Biedl syndrome (Mykytyn et al. 2003. PubMed ID: 12524598; Grudzinska Pechhacker et al. 2021. PubMed ID: 34940782). This variant is reported in 0.0065% of alleles in individuals of European (Non-Finnish) descent in gnomAD. Frameshift variants in BBS1 are expected to be pathogenic. Given the evidence, we interpret this variant as pathogenic.

Counsyl
Classification: Pathogenic for Bardet-Biedl syndrome 1. Last evaluated: 2016-07-08. Review status: no assertion criteria provided. Collection method: clinical testing. Allele origin: unknown. Not counted in ClinVar's aggregate classification.

Literature cited by the submitters: PubMed 27659767 (cited by Natera, Inc.); PubMed 12524598 (cited by 3 submitters); PubMed 12677556 (cited by Labcorp Genetics (formerly Invitae), Labcorp); PubMed 12837689 (cited by Labcorp Genetics (formerly Invitae), Labcorp); PubMed 21344540 (cited by Women's Health and Genetics/Laboratory Corporation of America, LabCorp and Counsyl); PubMed 27624628 (cited by Women's Health and Genetics/Laboratory Corporation of America, LabCorp); PubMed 31836858 (cited by Women's Health and Genetics/Laboratory Corporation of America, LabCorp); PubMed 25170860 (cited by Counsyl).

NM_024649.5(BBS1):c.1514_1515del (p.Leu505fs)

Genes: BBS1 (Bardet-Biedl syndrome 1; plus strand), ZDHHC24 (zDHHC palmitoyltransferase 24; minus strand). Cytogenetic location: 11q13.2.
Variant type: Deletion.
Coding change: c.1514_1515del on transcript NM_024649.5 (MANE Select); coding-DNA positions 1514 to 1515, 2 bases deleted (TG; older notation c.1514_1515delTG).
Protein change: p.Leu505fs; shifts the reading frame from leucine 505.
Molecular consequence: frameshift variant. On other transcripts: intron variant (1).
Genome position (GRCh38, 1-based): chr11:66,530,934-66,530,935, TG deleted. VCF-style (leftmost placement, unchanged base first): chr11-66530933-CTG-C. GRCh37 (hg19) VCF-style: chr11-66298404-CTG-C.
Other names: c.1514_1515del (NM_024649.4); c.560-1447_560-1446del (NM_001348571.2); short protein forms L505fs.
Identifiers: ClinVar variation 371133 (VCV000371133.31), dbSNP rs775769424, ClinGen allele CA6123801.